The following is an entry in ClinVar:

ClinVar aggregate classification (germline): Uncertain significance (1 of 4 stars; one submission).

Submission:

Labcorp Genetics (formerly Invitae), Labcorp
Classification: Uncertain significance. Last evaluated: 2022-07-19. Review status: criteria provided, single submitter. Criteria: Invitae Variant Classification Sherloc (09022015). Collection method: clinical testing. Allele origin: germline.
Comment: In summary, the available evidence is currently insufficient to determine the role of this variant in disease. Therefore, it has been classified as a Variant of Uncertain Significance. Algorithms developed to predict the effect of missense changes on protein structure and function are either unavailable or do not agree on the potential impact of this missense change (SIFT: "Not Available"; PolyPhen-2: "Possibly Damaging"; Align-GVGD: "Not Available"). ClinVar contains an entry for this variant (Variation ID: 1421940). This variant has not been reported in the literature in individuals affected with SPEG-related conditions. Information on the frequency of this variant in the gnomAD database is not available, as this variant may be reported differently in the database. This sequence change replaces alanine with cysteine at codon 87 of the SPEG protein (p.Ala87Cys). The alanine residue is moderately conserved and there is a large physicochemical difference between alanine and cysteine.

NM_005876.5(SPEG):c.259_260delinsTG (p.Ala87Cys)

Gene: SPEG (striated muscle enriched protein kinase; plus strand). Cytogenetic location: 2q35.
Variant type: Indel.
Coding change: c.259_260delinsTG on transcript NM_005876.5 (MANE Select); coding-DNA positions 259 to 260, GC replaced by TG.
Protein change: p.Ala87Cys; replaces alanine 87 with cysteine.
Molecular consequence: missense variant.
Genome position (GRCh38, 1-based): chr2:219,435,236-219,435,237, GC replaced by TG. VCF-style: chr2-219435236-GC-TG. GRCh37 (hg19) VCF-style: chr2-220299958-GC-TG.
Other names: short protein forms A87C.
Identifiers: ClinVar variation 1421940 (VCV001421940.8), dbSNP rs2125183646, ClinGen allele CA2573135444.